The following is an entry in ClinVar:

NM_000321.3(RB1):c.788_789dup (p.Ala264Ter)

Gene: RB1 (RB transcriptional corepressor 1; plus strand). Cytogenetic location: 13q14.2.
Variant type: Duplication.
Coding change: c.788_789dup on transcript NM_000321.3 (MANE Select); coding-DNA positions 788 to 789, 2 bases duplicated (TA; older notation c.788_789dupTA).
Protein change: p.Ala264Ter; replaces alanine 264 with a stop codon.
Molecular consequence: nonsense.
Genome position (GRCh38, 1-based): chr13:48,362,884-48,362,885, TA duplicated; duplicating any 2 consecutive bases within chr13:48,362,883-48,362,885 gives the same sequence; the c. name uses the placement nearest the transcript's 3' end. VCF-style (leftmost placement, unchanged base first): chr13-48362882-G-GAT. GRCh37 (hg19) VCF-style: chr13-48937018-G-GAT.
Other names: c.788_789dup, p.Ala264Ter (NM_001407165.1, NM_001407166.1); short protein forms A264*.
Identifiers: ClinVar variation 3236925 (VCV003236925.1), dbSNP rs2542182132.

ClinVar aggregate classification (germline): Pathogenic (1 of 4 stars; one submission).

Conditions:
Retinoblastoma (RB1). Also called: RETINOBLASTOMA, SOMATIC. Identifiers: Orphanet 790, MedGen C0035335, MeSH D012175, MONDO:0008380, OMIM 180200, HP:0009919. Disease mechanism: loss of function. Inheritance: Both sporadic and heritable forms are tested..

Submission:

Genetic Diagnostic Laboratory, University of Pennsylvania School of Medicine
Classification: Pathogenic for Retinoblastoma. Last evaluated: 2024-05-20. Review status: criteria provided, single submitter. Criteria: ACMG Guidelines, 2015. Collection method: clinical testing. Allele origin: germline. Affected: yes. Observed: 1 variant allele.
Comment: Case and Pedigree Information: BILATERAL CASES:1, UNILATERAL CASES:0, TOTAL CASES:1, PEDIGREES:1. ACMG Codes Applied:PVS1, PM2